The following is an entry in ClinVar:

NM_001371986.1(UNC80):c.1816C>T (p.Pro606Ser)

Gene: UNC80 (unc-80 homolog, NALCN channel complex subunit; plus strand). Cytogenetic location: 2q34.
Variant type: single nucleotide variant.
Coding change: c.1816C>T on transcript NM_001371986.1 (MANE Select); coding-DNA position 1816, C replaced by T.
Protein change: p.Pro606Ser; replaces proline 606 with serine.
Molecular consequence: missense variant.
Genome position (GRCh38, 1-based): chr2:209,819,115, C>T. VCF-style: chr2-209819115-C-T. GRCh37 (hg19) VCF-style: chr2-210683839-C-T.
Other names: c.1816C>T, p.Pro606Ser (NM_032504.2, NM_182587.4); short protein forms P606S.
Identifiers: ClinVar variation 1492066 (VCV001492066.6), dbSNP rs368452978, ClinGen allele CA2082972.

ClinVar aggregate classification (germline): Uncertain significance (1 of 4 stars; one submission).

Allele frequency attached by ClinVar (database versions not stated): gnomAD exomes 0.00001; ExAC 0.00004; gnomAD 0.00006 and 0.00007; TOPMed 0.00007.
gnomAD v4.1: 11 of 1,552,180 alleles (0.00071%); highest among the groups gnomAD compares: African/African-American, 0.015%; no homozygotes.

Submission:

Labcorp Genetics (formerly Invitae), Labcorp
Classification: Uncertain significance. Last evaluated: 2023-10-03. Review status: criteria provided, single submitter. Criteria: Invitae Variant Classification Sherloc (09022015). Collection method: clinical testing. Allele origin: germline.
Comment: This sequence change replaces proline, which is neutral and non-polar, with serine, which is neutral and polar, at codon 606 of the UNC80 protein (p.Pro606Ser). This variant is present in population databases (rs368452978, gnomAD 0.02%). This variant has not been reported in the literature in individuals affected with UNC80-related conditions. ClinVar contains an entry for this variant (Variation ID: 1492066). An algorithm developed to predict the effect of missense changes on protein structure and function (PolyPhen-2) suggests that this variant is likely to be disruptive. In summary, the available evidence is currently insufficient to determine the role of this variant in disease. Therefore, it has been classified as a Variant of Uncertain Significance.